The following is an entry in ClinVar:

NM_017433.5(MYO3A):c.2540A>G (p.Asn847Ser)

Gene: MYO3A (myosin IIIA; plus strand). Cytogenetic location: 10p12.1.
Variant type: single nucleotide variant.
Coding change: c.2540A>G on transcript NM_017433.5 (MANE Select); coding-DNA position 2540, A replaced by G.
Protein change: p.Asn847Ser; replaces asparagine 847 with serine.
Molecular consequence: missense variant.
Genome position (GRCh38, 1-based): chr10:26,147,464, A>G. VCF-style: chr10-26147464-A-G. GRCh37 (hg19) VCF-style: chr10-26436393-A-G.
Other names: short protein forms N847S.
Identifiers: ClinVar variation 2790310 (VCV002790310.3), dbSNP rs1343138202, ClinGen allele CA376335078.

ClinVar aggregate classification (germline): Uncertain significance (1 of 4 stars; one submission).

Allele frequency attached by ClinVar (database versions not stated): gnomAD exomes below 0.00001.
gnomAD v4.1: 1 of 1,613,840 alleles (0.000062%); highest among the groups gnomAD compares: East Asian, 0.0022%; no homozygotes.

Submission:

Labcorp Genetics (formerly Invitae), Labcorp
Classification: Uncertain significance. Last evaluated: 2022-11-11. Review status: criteria provided, single submitter. Criteria: Invitae Variant Classification Sherloc (09022015). Collection method: clinical testing. Allele origin: germline.
Comment: In summary, the available evidence is currently insufficient to determine the role of this variant in disease. Therefore, it has been classified as a Variant of Uncertain Significance. Advanced modeling of protein sequence and biophysical properties (such as structural, functional, and spatial information, amino acid conservation, physicochemical variation, residue mobility, and thermodynamic stability) has been performed at Invitae for this missense variant, however the output from this modeling did not meet the statistical confidence thresholds required to predict the impact of this variant on MYO3A protein function. This variant has not been reported in the literature in individuals affected with MYO3A-related conditions. This variant is present in population databases (no rsID available, gnomAD 0.006%). This sequence change replaces asparagine, which is neutral and polar, with serine, which is neutral and polar, at codon 847 of the MYO3A protein (p.Asn847Ser).